The following is an entry in ClinVar:

NM_000133.4(F9):c.1196T>C (p.Phe399Ser)

Gene: F9 (coagulation factor IX; plus strand). Cytogenetic location: Xq27.1.
Variant type: single nucleotide variant.
Coding change: c.1196T>C on transcript NM_000133.4 (MANE Select); coding-DNA position 1196, T replaced by C.
Protein change: p.Phe399Ser; replaces phenylalanine 399 with serine.
Molecular consequence: missense variant.
Genome position (GRCh38, 1-based): chrX:139,561,881, T>C. VCF-style: chrX-139561881-T-C. GRCh37 (hg19) VCF-style: chrX-138644040-T-C.
Other names: c.1082T>C, p.Phe361Ser (NM_001313913.2); short protein forms F361S, F399S.
Identifiers: ClinVar variation 1330832 (VCV001330832.7), dbSNP rs2148368081, ClinGen allele CA414446394.

ClinVar aggregate classification (germline): Uncertain significance (1 of 4 stars; one submission).

Submission:

ARUP Laboratories, Molecular Genetics and Genomics, ARUP Laboratories
Classification: Uncertain significance. Last evaluated: 2020-12-03. Review status: criteria provided, single submitter. Criteria: ARUP Molecular Germline Variant Investigation Process 2021. Collection method: clinical testing. Allele origin: germline.
Comment: The F9 c.1196T>C; p.Phe399Ser variant, to our knowledge, is not reported in the medical literature or gene-specific databases. This variant is also absent from general population databases (Exome Variant Server, Genome Aggregation Database), indicating it is not a common polymorphism. The phenylalanine at codon 399 is weakly conserved, and computational analyses are uncertain whether this variant is neutral or deleterious (REVEL: 0.467). However, due to limited information, the clinical significance of the p.Phe399Ser variant is uncertain at this time.